The following is an entry in ClinVar:

ClinVar aggregate classification (germline): Uncertain significance. Review status: criteria provided, multiple submitters, no conflicts (2 of 4 stars). 2 submissions from 2 submitters: Uncertain significance (2). Last evaluated 2022-03-04.

Conditions:
Oculotrichoanal syndrome (MOTA). Also called: MARLES SYNDROME; Manitoba Oculotrichoanal (MOTA) Syndrome. Identifiers: Orphanet 2717, MedGen C1855425, MONDO:0009560, OMIM 248450.

Allele frequency attached by ClinVar (database versions not stated): TOPMed 0.00009; gnomAD 0.00010; ExAC 0.00025.
gnomAD v4.1: 118 of 1,573,692 alleles (0.0075%); highest among the groups gnomAD compares: Middle Eastern, 0.045%; no homozygotes.

Submissions (2):

Labcorp Genetics (formerly Invitae), Labcorp
Classification: Uncertain significance. Last evaluated: 2022-03-04. Review status: criteria provided, single submitter. Criteria: Invitae Variant Classification Sherloc (09022015). Collection method: clinical testing. Allele origin: germline.
Comment: This sequence change replaces serine, which is neutral and polar, with phenylalanine, which is neutral and non-polar, at codon 3 of the FREM1 protein (p.Ser3Phe). This variant is present in population databases (rs201217735, gnomAD 0.03%). This variant has not been reported in the literature in individuals affected with FREM1-related conditions. ClinVar contains an entry for this variant (Variation ID: 366179). Algorithms developed to predict the effect of missense changes on protein structure and function are either unavailable or do not agree on the potential impact of this missense change (SIFT: "Deleterious"; PolyPhen-2: "Benign"; Align-GVGD: "Class C0"). In summary, the available evidence is currently insufficient to determine the role of this variant in disease. Therefore, it has been classified as a Variant of Uncertain Significance.

Illumina Laboratory Services, Illumina
Classification: Uncertain significance for Oculotrichoanal syndrome. Last evaluated: 2018-01-13. Review status: criteria provided, single submitter. Criteria: ICSL Variant Classification Criteria 13 December 2019. Collection method: clinical testing. Allele origin: germline.

NM_001379081.2(FREM1):c.8C>T (p.Ser3Phe)

Gene: FREM1 (FRAS1 related extracellular matrix 1; minus strand). Cytogenetic location: 9p22.3.
Variant type: single nucleotide variant.
Coding change: c.8C>T on transcript NM_001379081.2 (MANE Select); coding-DNA position 8, C replaced by T.
Protein change: p.Ser3Phe; replaces serine 3 with phenylalanine.
Molecular consequence: missense variant. On other transcripts: non-coding transcript variant (4).
Genome position (GRCh38, 1-based): chr9:14,868,970, G>A on the plus strand (C>T on the coding strand, the complement: FREM1 is on the minus strand). VCF-style: chr9-14868970-G-A. GRCh37 (hg19) VCF-style: chr9-14868968-G-A.
Other names: c.8C>T, p.Ser3Phe (NM_001370060.1, NM_001370063.1, NM_001370065.1 and 1 more transcripts); short protein forms S3F.
Identifiers: ClinVar variation 366179 (VCV000366179.7), dbSNP rs201217735, ClinGen allele CA4991708.